The following is an entry in ClinVar:

NM_001243133.2(NLRP3):c.278-45T>C

Gene: NLRP3 (NLR family pyrin domain containing 3; plus strand). Cytogenetic location: 1q44.
Variant type: single nucleotide variant.
Coding change: c.278-45T>C on transcript NM_001243133.2 (MANE Select); 45 bases into the intron before coding-DNA position 278, T replaced by C.
Molecular consequence: intron variant.
Genome position (GRCh38, 1-based): chr1:247,423,185, T>C. VCF-style: chr1-247423185-T-C. GRCh37 (hg19) VCF-style: chr1-247586487-T-C.
Other names: c.284-45T>C (NM_004895.5); c.278-45T>C (NM_001127461.3, NM_001127462.3, NM_183395.3 and 1 more transcripts).
Identifiers: ClinVar variation 618761 (VCV000618761.55), dbSNP rs41303141, ClinGen allele CA1494795.

ClinVar aggregate classification (germline): Benign. Review status: criteria provided, multiple submitters, no conflicts (2 of 4 stars). 5 submissions from 5 submitters: Benign (5). Last evaluated 2026-08-01.

Conditions:
Cryopyrin associated periodic syndrome (CAPS). Identifiers: Orphanet 208650, MedGen C2316212, MONDO:0016168.

Allele frequency attached by ClinVar (database versions not stated): 1000 Genomes Project 30x 0.00328; 1000 Genomes Project 0.00399; ExAC 0.00621; gnomAD exomes 0.00639; ESP Exome Variant Server 0.00669; TOPMed 0.00724.
gnomAD v4.1: 15,063 of 1,613,048 alleles (0.93%); highest among the groups gnomAD compares: Non-Finnish European, 1.1%; 90 homozygotes.

Submissions (5):

CeGaT Center for Human Genetics Tuebingen
Classification: Benign. Last evaluated: 2026-08-01. Review status: criteria provided, single submitter. Criteria: CeGaT Center For Human Genetics Tuebingen Variant Classification Criteria Version 2. Collection method: clinical testing. Allele origin: germline. Affected: yes. Observed: 40 variant alleles.
Comment: NLRP3: BS1, BS2

ARUP Laboratories, Molecular Genetics and Genomics, ARUP Laboratories
Classification: Benign. Last evaluated: 2025-07-18. Review status: criteria provided, single submitter. Criteria: ARUP Molecular Germline Variant Investigation Process 2024. Collection method: clinical testing. Allele origin: germline.

Labcorp Genetics (formerly Invitae), Labcorp
Classification: Benign for Cryopyrin associated periodic syndrome. Last evaluated: 2025-03-17. Review status: criteria provided, single submitter. Criteria: Invitae Variant Classification Sherloc (09022015). Collection method: clinical testing. Allele origin: germline.

GeneDx
Classification: Benign. Last evaluated: 2019-09-24. Review status: criteria provided, single submitter. Criteria: GeneDx Variant Classification Process June 2021. Collection method: clinical testing. Allele origin: germline. Affected: yes.
Comment: This variant is associated with the following publications: (PMID: 30245029)

Breakthrough Genomics
Classification: Benign. Review status: criteria provided, single submitter. Criteria: ACMG Guidelines, 2015. Collection method: not provided. Allele origin: germline. Inheritance: Autosomal dominant inheritance. Affected: yes.